The following is an entry in ClinVar:

ClinVar aggregate classification (germline): Likely pathogenic. Review status: criteria provided, single submitter (1 of 4 stars). 2 submissions from 2 submitters: Likely pathogenic (1). 1 of the submissions does not count toward it. Last evaluated 2021-04-26.

Conditions:
Mitochondrial myopathy-cerebellar ataxia-pigmentary retinopathy syndrome. Also called: MYOPATHY, MITOCHONDRIAL, AND ATAXIA. Identifiers: Orphanet 502423, MedGen C4540096, MONDO:0044714, OMIM 617675.

Allele frequency attached by ClinVar (database versions not stated): gnomAD 0.00001; gnomAD exomes 0.00001; TOPMed 0.00001; ExAC 0.00002.
gnomAD v4.1: 19 of 1,607,722 alleles (0.0012%); highest among the groups gnomAD compares: Non-Finnish European, 0.0013%; no homozygotes.

Submissions (2):

GeneDx
Classification: Likely pathogenic. Last evaluated: 2021-04-26. Review status: criteria provided, single submitter. Criteria: GeneDx Variant Classification Process June 2021. Collection method: clinical testing. Allele origin: germline. Affected: yes.
Comment: Canonical splice site variant expected to result in aberrant splicing, although in the absence of functional evidence the actual effect of this sequence change is unknown.; Not observed at a significant frequency in large population cohorts (Lek et al., 2016); This variant is associated with the following publications: (PMID: 29339779, 30684668, 28544275)

OMIM
Classification: Pathogenic for MYOPATHY, MITOCHONDRIAL, AND ATAXIA, AUTOSOMAL RECESSIVE. Last evaluated: 2017-09-22. Review status: no assertion criteria provided. Collection method: literature only. Allele origin: germline. Not counted in ClinVar's aggregate classification.

Literature cited by the submitters: PubMed 28544275 (cited by OMIM).

NM_018116.4(MSTO1):c.966+1G>A

Gene: MSTO1 (misato mitochondrial distribution and morphology regulator 1; plus strand). Cytogenetic location: 1q22.
Variant type: single nucleotide variant.
Coding change: c.966+1G>A on transcript NM_018116.4 (MANE Select); the canonical splice donor site of the intron after coding-DNA position 966, G replaced by A.
Molecular consequence: splice donor variant.
Genome position (GRCh38, 1-based): chr1:155,612,571, G>A. VCF-style: chr1-155612571-G-A. GRCh37 (hg19) VCF-style: chr1-155582362-G-A.
Other names: IVS9DS, G-A, +1; c.435+1G>A (NM_001350779.1, NM_001350778.1, NM_001350777.1); c.423+1G>A (NM_001350784.1, NM_001350785.1, NM_001350789.1 and 1 more transcripts); c.432+1G>A (NM_001350781.1, NM_001350786.1, NM_001350788.1 and 3 more transcripts); c.801+1G>A (NM_001350776.1); c.966+1G>A (NM_001350773.1, NM_001350774.1, NM_001350775.1 and 3 more transcripts).
Identifiers: ClinVar variation 438834 (VCV000438834.4), dbSNP rs771965165, ClinGen allele CA1148071.